The following is an entry in ClinVar:

ClinVar aggregate classification (germline): Uncertain significance (1 of 4 stars; one submission).

Conditions:
Muscle AMP deaminase deficiency (MMDD). Also called: ADENOSINE MONOPHOSPHATE DEAMINASE-1 DEFICIENCY, MYOPATHY DUE TO; Myoadenylate deaminase deficiency, myopathy due to; Adenosine monophosphate deaminase 1 deficiency; AMP deaminase 1 deficiency; Adenosine Monophosphate Deaminase 1; AMPD1 DEFICIENCY. Identifiers: Orphanet 45, MedGen C3714933, MONDO:0014220, OMIM 615511.

gnomAD v4.1: 1 of 1,611,720 alleles (0.000062%); highest among the groups gnomAD compares: Admixed American, 0.0017%; no homozygotes.

Submission:

Labcorp Genetics (formerly Invitae), Labcorp
Classification: Uncertain significance for Muscle AMP deaminase deficiency. Last evaluated: 2021-12-19. Review status: criteria provided, single submitter. Criteria: Invitae Variant Classification Sherloc (09022015). Collection method: clinical testing. Allele origin: germline.
Comment: This sequence change falls in intron 9 of the AMPD1 gene. It does not directly change the encoded amino acid sequence of the AMPD1 protein. It affects a nucleotide within the consensus splice site. This variant is present in population databases (no rsID available, gnomAD 0.003%). This variant has not been reported in the literature in individuals affected with AMPD1-related conditions. Variants that disrupt the consensus splice site are a relatively common cause of aberrant splicing (PMID: 17576681, 9536098). Algorithms developed to predict the effect of sequence changes on RNA splicing suggest that this variant is not likely to affect RNA splicing. In summary, the available evidence is currently insufficient to determine the role of this variant in disease. Therefore, it has been classified as a Variant of Uncertain Significance.

Literature cited by the submitters: PubMed 17576681; PubMed 9536098.

NM_000036.3(AMPD1):c.1224+6G>A

Gene: AMPD1 (adenosine monophosphate deaminase 1; minus strand). Cytogenetic location: 1p13.2.
Variant type: single nucleotide variant.
Coding change: c.1224+6G>A on transcript NM_000036.3 (MANE Select); 6 bases into the intron after coding-DNA position 1224, G replaced by A.
Molecular consequence: intron variant.
Genome position (GRCh38, 1-based): chr1:114,677,904, C>T on the plus strand (G>A on the coding strand, the complement: AMPD1 is on the minus strand). VCF-style: chr1-114677904-C-T. GRCh37 (hg19) VCF-style: chr1-115220525-C-T.
Other names: c.1212+6G>A (NM_001172626.2).
Identifiers: ClinVar variation 1929040 (VCV001929040.5), dbSNP rs1015693996, ClinGen allele CA525418455.